The following is an entry in ClinVar:

NM_018896.5(CACNA1G):c.557G>A (p.Arg186Gln)

Gene: CACNA1G (calcium voltage-gated channel subunit alpha1 G; plus strand). Cytogenetic location: 17q21.33.
Variant type: single nucleotide variant.
Coding change: c.557G>A on transcript NM_018896.5 (MANE Select); coding-DNA position 557, G replaced by A.
Protein change: p.Arg186Gln; replaces arginine 186 with glutamine.
Molecular consequence: missense variant. On other transcripts: non-coding transcript variant (5).
Genome position (GRCh38, 1-based): chr17:50,569,774, G>A. VCF-style: chr17-50569774-G-A. GRCh37 (hg19) VCF-style: chr17-48647135-G-A.
Other names: p.Arg186Gln; c.557G>A, p.Arg186Gln (NM_198377.3, NM_198378.3, NM_198379.3 and 24 more transcripts); short protein forms R186Q.
Identifiers: ClinVar variation 4542197 (VCV004542197.1).

ClinVar aggregate classification (germline): Uncertain significance (1 of 4 stars; one submission).

gnomAD v4.1: 1 of 1,550,586 alleles (0.000064%); highest among the groups gnomAD compares: Non-Finnish European, 0.000087%; no homozygotes.

Submission:

Mayo Clinic Laboratories, Mayo Clinic
Classification: Uncertain significance. Last evaluated: 2025-09-02. Review status: criteria provided, single submitter. Criteria: ACMG Guidelines, 2015. Collection method: clinical testing. Allele origin: germline. Observed: 1 variant allele.
Comment: PP3_moderate